The following is an entry in ClinVar:

NM_000297.4(PKD2):c.1320-3C>A

Gene: PKD2 (polycystin 2, transient receptor potential cation channel; plus strand). Cytogenetic location: 4q22.1.
Variant type: single nucleotide variant.
Coding change: c.1320-3C>A on transcript NM_000297.4 (MANE Select); 3 bases into the intron before coding-DNA position 1320, C replaced by A.
Molecular consequence: intron variant.
Genome position (GRCh38, 1-based): chr4:88,046,639, C>A. VCF-style: chr4-88046639-C-A. GRCh37 (hg19) VCF-style: chr4-88967791-C-A.
Identifiers: ClinVar variation 1336425 (VCV001336425.5), dbSNP rs2110115733, ClinGen allele CA2573052372.

ClinVar aggregate classification (germline): Uncertain significance. Review status: criteria provided, multiple submitters, no conflicts (2 of 4 stars). 2 submissions from 2 submitters: Uncertain significance (2). Last evaluated 2021-12-02.

Conditions:
Polycystic kidney disease 2 (PKD2). Also called: Polycystic Kidney Disease 2, Autosomal Dominant; POLYCYSTIC KIDNEY DISEASE, ADULT, TYPE II; POLYCYSTIC KIDNEY DISEASE 2 WITH OR WITHOUT POLYCYSTIC LIVER DISEASE. Identifiers: MedGen C2751306, MONDO:0013131, OMIM 613095.

Submissions (2):

University of Washington Department of Laboratory Medicine, University of Washington
Classification: Uncertain significance for Polycystic kidney disease 2. Last evaluated: 2021-12-02. Review status: criteria provided, single submitter. Criteria: ACMG Guidelines, 2015. Collection method: clinical testing. Allele origin: unknown. Affected: yes.
Comment: The c.1320-3C>A variant in the PKD2 gene has not been previously reported in association with disease and was absent from large population databases, including the Genome Aggregation Database. This variant occurs in the 3' splice region and computational tools predict an impact to splicing. These predictions have not been tested directly. Using ACMG guidelines, this variant was classified as a variant of uncertain significance (ACMG evidence codes used: PM2_supporting, PP3).

Genetic Services Laboratory, University of Chicago
Classification: Uncertain significance. Last evaluated: 2017-12-07. Review status: criteria provided, single submitter. Criteria: ACMG Guidelines, 2015. Collection method: clinical testing. Allele origin: germline. Affected: no.